The following is an entry in ClinVar:

ClinVar aggregate classification (germline): Uncertain significance (1 of 4 stars; one submission).

Conditions:
Cone-rod dystrophy 6 (CORD6). Also called: Cone dystrophy progressive; RETINAL CONE DYSTROPHY 2. Identifiers: Orphanet 1872, MedGen C1866293, MONDO:0011143, OMIM 601777.
Leber congenital amaurosis 1 (LCA1). Also called: AMAUROSIS CONGENITA OF LEBER I; Congenital absence of the rods and cones; Leber's congenital tapetoretinal degeneration; Leber's congenital tapetoretinal dysplasia; RETINAL BLINDNESS, CONGENITAL. Identifiers: Orphanet 65, MedGen C2931258, MONDO:0008764, OMIM 204000.

Allele frequency attached by ClinVar (database versions not stated): gnomAD exomes below 0.00001; TOPMed below 0.00001.

Submission:

Labcorp Genetics (formerly Invitae), Labcorp
Classification: Uncertain significance for Leber congenital amaurosis 1; Cone-rod dystrophy 6. Last evaluated: 2023-11-16. Review status: criteria provided, single submitter. Criteria: Invitae Variant Classification Sherloc (09022015). Collection method: clinical testing. Allele origin: germline.
Comment: This sequence change replaces aspartic acid, which is acidic and polar, with asparagine, which is neutral and polar, at codon 412 of the GUCY2D protein (p.Asp412Asn). This variant is present in population databases (no rsID available, gnomAD 0.0009%). This variant has not been reported in the literature in individuals affected with GUCY2D-related conditions. Advanced modeling of protein sequence and biophysical properties (such as structural, functional, and spatial information, amino acid conservation, physicochemical variation, residue mobility, and thermodynamic stability) performed at Invitae indicates that this missense variant is not expected to disrupt GUCY2D protein function with a negative predictive value of 80%. In summary, the available evidence is currently insufficient to determine the role of this variant in disease. Therefore, it has been classified as a Variant of Uncertain Significance.

NM_000180.4(GUCY2D):c.1234G>A (p.Asp412Asn)

Gene: GUCY2D (guanylate cyclase 2D, retinal; plus strand). Cytogenetic location: 17p13.1.
Variant type: single nucleotide variant.
Coding change: c.1234G>A on transcript NM_000180.4 (MANE Select); coding-DNA position 1234, G replaced by A.
Protein change: p.Asp412Asn; replaces aspartic acid 412 with asparagine.
Molecular consequence: missense variant.
Genome position (GRCh38, 1-based): chr17:8,006,570, G>A. VCF-style: chr17-8006570-G-A. GRCh37 (hg19) VCF-style: chr17-7909888-G-A.
Other names: short protein forms D412N.
Identifiers: ClinVar variation 2928323 (VCV002928323.3), dbSNP rs976953564, ClinGen allele CA287524790.
Genomic context (GRCh38, chr17:8,006,570, plus strand): 5'-GGGGACCTAGGAGGAGACGAGGAGCCCCCATTCGTGCTGCTAGACACGGACGCGGCGGGA[G>A]ACCGGCTTTTTGCCACATACATGCTGGATCCTGCCCGGGGCTCCTTCCTCTCCGCCGGTA-3'
Protein context (NP_000171.1, residues 402-422): FVLLDTDAAG[Asp412Asn]RLFATYMLDP